The following is an entry in ClinVar:

NM_002150.3(HPD):c.414G>A (p.Thr138=)

Genes: HPD (4-hydroxyphenylpyruvate dioxygenase; minus strand), TIALD (transcript inducer of AURKA lysosomal degradation; plus strand). Cytogenetic location: 12q24.31.
Variant type: single nucleotide variant.
Coding change: c.414G>A on transcript NM_002150.3 (MANE Select); coding-DNA position 414, G replaced by A.
Protein change: p.Thr138=; no amino-acid change (threonine 138 retained).
Molecular consequence: synonymous variant.
Genome position (GRCh38, 1-based): chr12:121,854,703, C>T on the plus strand (G>A on the coding strand, the complement: HPD is on the minus strand). VCF-style: chr12-121854703-C-T. GRCh37 (hg19) VCF-style: chr12-122292609-C-T.
Other names: p.Thr138=; c.297G>A, p.Thr99= (NM_001171993.2).
Identifiers: ClinVar variation 307485 (VCV000307485.20), dbSNP rs140788110, ClinGen allele CA6839676.

ClinVar aggregate classification (germline): Benign/Likely benign. Review status: criteria provided, multiple submitters, no conflicts (2 of 4 stars). 7 submissions from 6 submitters: Benign (6); Likely benign (1). Last evaluated 2026-02-03.

Conditions:
Hawkinsinuria. Identifiers: Orphanet 2118, MedGen C2931042, MONDO:0007700, OMIM 140350, HP:0034457.
Tyrosinemia type III. Also called: Tyrosinemia type 3; 4-alpha hydroxyphenylpyruvic acid oxidase deficiency; 4-alpha hydroxyphenylpyruvate dioxygenase deficiency; 4-Hydroxyphenylpyruvate dioxygenase deficiency; 4-HYDROXYPHENYLPYRUVIC ACID OXIDASE DEFICIENCY. Identifiers: Orphanet 69723, MedGen C0268623, MONDO:0010162, OMIM 276710.

Allele frequency attached by ClinVar (database versions not stated): gnomAD exomes 0.01275 and 0.00295; ESP Exome Variant Server 0.00062; gnomAD 0.00479 and 0.00505; ExAC 0.00947; TOPMed 0.01002; 1000 Genomes Project 0.01118; 1000 Genomes Project 30x 0.01202.
gnomAD v4.1: 5,053 of 1,610,788 alleles (0.31%); highest among the groups gnomAD compares: Admixed American, 7.4%; 227 homozygotes.

Submissions (14):

Labcorp Genetics (formerly Invitae), Labcorp
Classification: Benign for Tyrosinemia type III; Hawkinsinuria. Last evaluated: 2026-02-03. Review status: criteria provided, single submitter. Criteria: Invitae Variant Classification Sherloc (09022015). Collection method: clinical testing. Allele origin: germline.

Fulgent Genetics
Classification: Likely benign for Hawkinsinuria; Tyrosinemia type III. Last evaluated: 2021-12-13. Review status: criteria provided, single submitter. Criteria: ACMG Guidelines, 2015. Collection method: clinical testing. Allele origin: unknown.

Mayo Clinic Laboratories, Mayo Clinic
Classification: Benign. Last evaluated: 2021-04-07. Review status: criteria provided, single submitter. Criteria: ACMG Guidelines, 2015. Collection method: clinical testing. Allele origin: germline. Observed: 2 variant alleles.

Illumina Laboratory Services, Illumina
Classification: Benign for Hawkinsinuria. Last evaluated: 2018-01-13. Review status: criteria provided, single submitter. Criteria: ICSL Variant Classification Criteria 13 December 2019. Collection method: clinical testing. Allele origin: germline.
Comment: This variant was observed in the ICSL laboratory as part of a predisposition screen in an ostensibly healthy population. It had not been previously curated by ICSL or reported in the Human Gene Mutation Database (HGMD: prior to June 1st, 2018), and was therefore a candidate for classification through an automated scoring system. Utilizing variant allele frequency, disease prevalence and penetrance estimates, and inheritance mode, an automated score was calculated to assess if this variant is too frequent to cause the disease. Based on the score and internal cut-off values, a variant classified as benign is not then subjected to further curation. The score for this variant resulted in a classification of benign for this disease.

Illumina Laboratory Services, Illumina
Classification: Benign for Tyrosinemia type III. Last evaluated: 2018-01-13. Review status: criteria provided, single submitter. Criteria: ICSL Variant Classification Criteria 13 December 2019. Collection method: clinical testing. Allele origin: germline.
Comment: the same text as in the submission from Illumina Laboratory Services, Illumina above.

GeneDx
Classification: Benign. Last evaluated: 2015-03-03. Review status: criteria provided, single submitter. Criteria: GeneDx Variant Classification Process June 2021. Collection method: clinical testing. Allele origin: germline. Affected: yes.

Breakthrough Genomics
Classification: Benign. Review status: criteria provided, single submitter. Criteria: ACMG Guidelines, 2015. Collection method: not provided. Allele origin: germline. Inheritance: Autosomal recessive inheritance. Affected: yes.

Dr. Peter K. Rogan Lab, Western University
No classification provided (evidence only). Condition: Clear cell carcinoma of kidney. Review status: no classification provided. Collection method: in vitro. Allele origin: not applicable. Functional consequence: skipped exon, retained intron. Not counted in ClinVar's aggregate classification.

Dr. Peter K. Rogan Lab, Western University
No classification provided (evidence only). Condition: Clear cell carcinoma of kidney. Review status: no classification provided. Collection method: in vitro. Allele origin: not applicable. Functional consequence: skipped exon. Not counted in ClinVar's aggregate classification.

Dr. Peter K. Rogan Lab, Western University
No classification provided (evidence only). Condition: Familial cancer of breast. Review status: no classification provided. Collection method: in vitro. Allele origin: not applicable. Functional consequence: retained intron. Not counted in ClinVar's aggregate classification.

Dr. Peter K. Rogan Lab, Western University
No classification provided (evidence only). Condition: Thyroid cancer, nonmedullary, 1. Review status: no classification provided. Collection method: in vitro. Allele origin: not applicable. Functional consequence: retained intron. Not counted in ClinVar's aggregate classification.

Dr. Peter K. Rogan Lab, Western University
No classification provided (evidence only). Condition: Hepatocellular carcinoma. Review status: no classification provided. Collection method: in vitro. Allele origin: not applicable. Functional consequence: skipped exon, retained intron. Not counted in ClinVar's aggregate classification.

Dr. Peter K. Rogan Lab, Western University
No classification provided (evidence only). Condition: Hepatocellular carcinoma. Review status: no classification provided. Collection method: in vitro. Allele origin: not applicable. Functional consequence: skipped exon. Not counted in ClinVar's aggregate classification.

Dr. Peter K. Rogan Lab, Western University
No classification provided (evidence only). Condition: Cholangiocarcinoma. Review status: no classification provided. Collection method: in vitro. Allele origin: not applicable. Functional consequence: skipped exon, retained intron. Not counted in ClinVar's aggregate classification.